The following is an entry in ClinVar:

ClinVar aggregate classification (germline): Uncertain significance. Review status: criteria provided, multiple submitters, no conflicts (2 of 4 stars). 2 submissions from 2 submitters: Uncertain significance (2). Last evaluated 2024-02-16.

Conditions:
Catecholaminergic polymorphic ventricular tachycardia 1. Also called: VENTRICULAR TACHYCARDIA, CATECHOLAMINERGIC POLYMORPHIC, 1, WITH OR WITHOUT ATRIAL DYSFUNCTION AND/OR DILATED CARDIOMYOPATHY; RYR2-Related Catecholaminergic Polymorphic Ventricular Tachycardia; VENTRICULAR TACHYCARDIA, STRESS-INDUCED POLYMORPHIC 1. Identifiers: Orphanet 3286, MedGen C1631597, MONDO:0011484, OMIM 604772.

gnomAD v4.1: 18 of 1,554,872 alleles (0.0012%); highest among the groups gnomAD compares: African/African-American, 0.0028%; no homozygotes.

Submissions (2):

Blueprint Genetics
Classification: Uncertain significance. Last evaluated: 2024-02-16. Review status: criteria provided, single submitter. Criteria: ACMG Guidelines, 2015. Collection method: clinical testing. Allele origin: germline.

Labcorp Genetics (formerly Invitae), Labcorp
Classification: Uncertain significance for Catecholaminergic polymorphic ventricular tachycardia 1. Last evaluated: 2023-10-03. Review status: criteria provided, single submitter. Criteria: Invitae Variant Classification Sherloc (09022015). Collection method: clinical testing. Allele origin: germline.
Comment: This sequence change replaces arginine, which is basic and polar, with serine, which is neutral and polar, at codon 93 of the TRDN protein (p.Arg93Ser). The frequency data for this variant in the population databases is considered unreliable, as metrics indicate poor data quality at this position in the gnomAD database. This variant has not been reported in the literature in individuals affected with TRDN-related conditions. ClinVar contains an entry for this variant (Variation ID: 2168185). Advanced modeling of protein sequence and biophysical properties (such as structural, functional, and spatial information, amino acid conservation, physicochemical variation, residue mobility, and thermodynamic stability) performed at Invitae indicates that this missense variant is not expected to disrupt TRDN protein function. In summary, the available evidence is currently insufficient to determine the role of this variant in disease. Therefore, it has been classified as a Variant of Uncertain Significance.

NM_006073.4(TRDN):c.277C>A (p.Arg93Ser)

Gene: TRDN (triadin; minus strand). Cytogenetic location: 6q22.31.
Variant type: single nucleotide variant.
Coding change: c.277C>A on transcript NM_006073.4 (MANE Select); coding-DNA position 277, C replaced by A.
Protein change: p.Arg93Ser; replaces arginine 93 with serine.
Molecular consequence: missense variant.
Genome position (GRCh38, 1-based): chr6:123,548,568, G>T on the plus strand (C>A on the coding strand, the complement: TRDN is on the minus strand). VCF-style: chr6-123548568-G-T. GRCh37 (hg19) VCF-style: chr6-123869713-G-T.
Other names: c.277C>A, p.Arg93Ser (NM_001251987.2, NM_001256020.2, NM_001256021.2 and 2 more transcripts); short protein forms R93S.
Identifiers: ClinVar variation 2168185 (VCV002168185.5), dbSNP rs370788759, ClinGen allele CA365568900.